The following is an entry in ClinVar:

ClinVar aggregate classification (germline): Uncertain significance (1 of 4 stars; one submission).

gnomAD v4.1: 2 of 1,210,010 alleles (0.00017%); highest among the groups gnomAD compares: African/African-American, 0.0035%; no homozygotes.

Submission:

GeneDx
Classification: Uncertain significance. Last evaluated: 2026-01-30. Review status: criteria provided, single submitter. Criteria: GeneDx Variant Classification Process June 2021. Collection method: clinical testing. Allele origin: germline.
Comment: Not observed at significant frequency in large population cohorts (gnomAD); In silico analysis suggests that this missense variant does not alter protein structure/function; Has not been previously published as pathogenic or benign to our knowledge

NM_003611.3(OFD1):c.1813G>A (p.Ala605Thr)

Gene: OFD1 (OFD1 centriole and centriolar satellite protein; plus strand). Cytogenetic location: Xp22.2.
Variant type: single nucleotide variant.
Coding change: c.1813G>A on transcript NM_003611.3 (MANE Select); coding-DNA position 1813, G replaced by A.
Protein change: p.Ala605Thr; replaces alanine 605 with threonine.
Molecular consequence: missense variant.
Genome position (GRCh38, 1-based): chrX:13,760,273, G>A. VCF-style: chrX-13760273-G-A. GRCh37 (hg19) VCF-style: chrX-13778392-G-A.
Other names: c.1693G>A, p.Ala565Thr (NM_001330209.2, NM_001440948.1); c.1393G>A, p.Ala465Thr (NM_001330210.2); c.1813G>A, p.Ala605Thr (NM_001440947.1); short protein forms A465T, A565T, A605T.
Identifiers: ClinVar variation 4887941 (VCV004887941.1).